The following is an entry in ClinVar:

NM_000127.3(EXT1):c.1307dup (p.His437fs)

Gene: EXT1 (exostosin glycosyltransferase 1; minus strand). Cytogenetic location: 8q24.11.
Variant type: Duplication.
Coding change: c.1307dup on transcript NM_000127.3 (MANE Select); coding-DNA position 1307, one base duplicated (A; older notation c.1307dupA).
Protein change: p.His437fs; shifts the reading frame from histidine 437.
Molecular consequence: frameshift variant.
Genome position (GRCh38, 1-based): chr8:117,822,575, T duplicated on the plus strand (A on the coding strand, the reverse complement: EXT1 is on the minus strand); the first of 2 consecutive T bases (chr8:117,822,575-117,822,576); duplicating either gives the same sequence. VCF-style (leftmost placement, unchanged base first): chr8-117822574-C-CT. GRCh37 (hg19) VCF-style: chr8-118834813-C-CT.
Other names: short protein forms H437fs.
Identifiers: ClinVar variation 2095844 (VCV002095844.4), dbSNP rs2488113882, ClinGen allele CA2580078558.
Genomic context (GRCh38, chr8:117,822,574, plus strand): 5'-TGGTAGTACGAACAATCCTCCAGGATGTTTGTTCCATATTAAACTGTTACGTGATATGTG[C>CT]TTGAATATTCTGTCCTGAATAATCTAGAAAATAAAACATAGCACACAGTGAGGATGAGAT-3'

ClinVar aggregate classification (germline): Pathogenic (1 of 4 stars; one submission).

Conditions:
Multiple congenital exostosis (EXT). Also called: Hereditary multiple exostoses; Hereditary multiple exostosis; Multiple exostoses; Multiple osteochondromas; Hereditary multiple osteochondromas; MULTIPLE CARTILAGINOUS EXOSTOSES. Identifiers: Orphanet 321, MedGen C0015306, MONDO:0005508, HP:0002762.

Submission:

Labcorp Genetics (formerly Invitae), Labcorp
Classification: Pathogenic for Multiple congenital exostosis. Last evaluated: 2022-08-13. Review status: criteria provided, single submitter. Criteria: Invitae Variant Classification Sherloc (09022015). Collection method: clinical testing. Allele origin: germline.
Comment: For these reasons, this variant has been classified as Pathogenic. This variant has not been reported in the literature in individuals affected with EXT1-related conditions. This variant is not present in population databases (gnomAD no frequency). This sequence change creates a premature translational stop signal (p.His437Alafs*5) in the EXT1 gene. It is expected to result in an absent or disrupted protein product. Loss-of-function variants in EXT1 are known to be pathogenic (PMID: 10679937, 11391482, 19810120).

Literature cited by the submitters: PubMed 10679937; PubMed 11391482; PubMed 19810120.